The following is an entry in ClinVar:

NM_002473.6(MYH9):c.333C>T (p.Tyr111=)

Gene: MYH9 (myosin heavy chain 9; minus strand). Cytogenetic location: 22q12.3.
Variant type: single nucleotide variant.
Coding change: c.333C>T on transcript NM_002473.6 (MANE Select); coding-DNA position 333, C replaced by T.
Protein change: p.Tyr111=; no amino-acid change (tyrosine 111 retained).
Molecular consequence: synonymous variant.
Genome position (GRCh38, 1-based): chr22:36,348,904, G>A on the plus strand (C>T on the coding strand, the complement: MYH9 is on the minus strand). VCF-style: chr22-36348904-G-A. GRCh37 (hg19) VCF-style: chr22-36744949-G-A.
Identifiers: ClinVar variation 2917662 (VCV002917662.4), dbSNP rs372687282, ClinGen allele CA10210681.

ClinVar aggregate classification (germline): Conflicting classifications of pathogenicity. Review status: criteria provided, conflicting classifications (1 of 4 stars). 2 submissions from 2 submitters: Uncertain significance (1); Likely benign (1). Last evaluated 2024-08-29.

Allele frequency attached by ClinVar (database versions not stated): ExAC 0.00003; gnomAD exomes 0.00003; gnomAD 0.00004; TOPMed 0.00004; ESP Exome Variant Server 0.00008.
gnomAD v4.1: 43 of 1,572,226 alleles (0.0027%); highest among the groups gnomAD compares: South Asian, 0.011%; no homozygotes.

Submissions (2):

Blueprint Genetics
Classification: Likely benign. Last evaluated: 2024-08-29. Review status: criteria provided, single submitter. Criteria: ACMG Guidelines, 2015. Collection method: clinical testing. Allele origin: germline.

Labcorp Genetics (formerly Invitae), Labcorp
Classification: Uncertain significance. Last evaluated: 2023-09-08. Review status: criteria provided, single submitter. Criteria: Invitae Variant Classification Sherloc (09022015). Collection method: clinical testing. Allele origin: germline.
Comment: In summary, the available evidence is currently insufficient to determine the role of this variant in disease. Therefore, it has been classified as a Variant of Uncertain Significance. Algorithms developed to predict the effect of sequence changes on RNA splicing suggest that this variant is not likely to affect RNA splicing. This variant has not been reported in the literature in individuals affected with MYH9-related conditions. This variant is present in population databases (rs372687282, gnomAD 0.01%). This sequence change affects codon 111 of the MYH9 mRNA. It is a 'silent' change, meaning that it does not change the encoded amino acid sequence of the MYH9 protein. It affects a nucleotide within the consensus splice site.